The following is an entry in ClinVar:

NM_001101.5(ACTB):c.1021A>C (p.Ile341Leu)

Gene: ACTB (actin beta; minus strand). Cytogenetic location: 7p22.1.
Variant type: single nucleotide variant.
Coding change: c.1021A>C on transcript NM_001101.5 (MANE Select); coding-DNA position 1021, A replaced by C.
Protein change: p.Ile341Leu; replaces isoleucine 341 with leucine.
Molecular consequence: missense variant.
Genome position (GRCh38, 1-based): chr7:5,527,855, T>G on the plus strand (A>C on the coding strand, the complement: ACTB is on the minus strand). VCF-style: chr7-5527855-T-G. GRCh37 (hg19) VCF-style: chr7-5567486-T-G.
Other names: c.1021A>C (LRG_132t1); short protein forms I341L.
Identifiers: ClinVar variation 279990 (VCV000279990.2), dbSNP rs886041305, ClinGen allele CA10602958.

ClinVar aggregate classification (germline): Uncertain significance (1 of 4 stars; one submission).

Submission:

GeneDx
Classification: Uncertain significance. Last evaluated: 2015-10-28. Review status: criteria provided, single submitter. Criteria: GeneDx Variant Classification (06012015). Collection method: clinical testing. Allele origin: germline. Affected: yes.
Comment: To our knowledge, the I341Lvariant has not been published as pathogenic nor as a benign variant. It was not observed in approximately 6,500 individuals of European and African American ancestry in the NHLBI Exome Sequencing Project, indicating it is not a common benign variant in these populations. The I341L variant is a conservative amino acid substitution, which is not likely to impact secondary protein structure as these residues share similar properties. This substitution occurs at a position where amino acids with similar properties to Isoleucine are tolerated across species, and in silico analysis is inconsistent in its predictions as to whether or not the variant is damaging to the protein structure/function. Based on the currently available information, the clinical significance of the observed I341L variant in the ACTB gene remains uncertain.